The following is an entry in ClinVar:

NM_000170.3(GLDC):c.527del (p.Leu176fs)

Gene: GLDC (glycine decarboxylase; minus strand). Cytogenetic location: 9p24.1.
Variant type: Deletion.
Coding change: c.527del on transcript NM_000170.3 (MANE Select); coding-DNA position 527, one base deleted (T; older notation c.527delT).
Protein change: p.Leu176fs; shifts the reading frame from leucine 176.
Molecular consequence: frameshift variant.
Genome position (GRCh38, 1-based): chr9:6,610,300, A deleted on the plus strand (T on the coding strand, the reverse complement: GLDC is on the minus strand); the first of 3 consecutive A bases (chr9:6,610,300-6,610,302); deleting any one gives the same sequence. VCF-style (leftmost placement, unchanged base first): chr9-6610299-TA-T. GRCh37 (hg19) VCF-style: chr9-6610299-TA-T.
Other names: short protein forms L176fs.
Identifiers: ClinVar variation 1452245 (VCV001452245.8), dbSNP rs1563859767, ClinGen allele CA586157560.

ClinVar aggregate classification (germline): Pathogenic (1 of 4 stars; one submission).

Conditions:
Glycine encephalopathy. Also called: Non-ketotic hyperglycinemia; Nonketotic hyperglycinemia. Identifiers: Orphanet 407, MedGen C0751748, MONDO:0011612, HP:0008288.

Submission:

Labcorp Genetics (formerly Invitae), Labcorp
Classification: Pathogenic for Glycine encephalopathy. Last evaluated: 2020-12-16. Review status: criteria provided, single submitter. Criteria: Invitae Variant Classification Sherloc (09022015). Collection method: clinical testing. Allele origin: germline.
Comment: This sequence change creates a premature translational stop signal (p.Leu176Tyrfs*55) in the GLDC gene. It is expected to result in an absent or disrupted protein product. Loss-of-function variants in GLDC are known to be pathogenic (PMID: 16601880). This variant is not present in population databases (ExAC no frequency). For these reasons, this variant has been classified as Pathogenic. This variant has been observed in individual(s) with nonketotic hyperglycinemia (PMID: 27362913).

Literature cited by the submitters: PubMed 16601880; PubMed 27362913.